The following is an entry in ClinVar:

ClinVar aggregate classification (germline): Uncertain significance (1 of 4 stars; one submission).

Conditions:
Cardiovascular phenotype. Identifiers: MedGen CN230736.

Submission:

Ambry Genetics
Classification: Uncertain significance for Cardiovascular phenotype. Last evaluated: 2024-11-08. Review status: criteria provided, single submitter. Criteria: Ambry Variant Classification Scheme 2023. Collection method: clinical testing. Allele origin: germline.
Comment: The p.T1317R variant (also known as c.3950C>G), located in coding exon 31 of the RYR2 gene, results from a C to G substitution at nucleotide position 3950. The threonine at codon 1317 is replaced by arginine, an amino acid with similar properties. This amino acid position is well conserved in available vertebrate species. In addition, the in silico prediction for this alteration is inconclusive. Since supporting evidence is limited at this time, the clinical significance of this alteration remains unclear.

NM_001035.3(RYR2):c.3950C>G (p.Thr1317Arg)

Genes: RYR2 (ryanodine receptor 2; plus strand), LOC126806067 (BRD4-independent group 4 enhancer GRCh37_chr1:237753258-237754457; plus strand). Cytogenetic location: 1q43.
Variant type: single nucleotide variant.
Coding change: c.3950C>G on transcript NM_001035.3 (MANE Select); coding-DNA position 3950, C replaced by G.
Protein change: p.Thr1317Arg; replaces threonine 1317 with arginine.
Molecular consequence: missense variant.
Genome position (GRCh38, 1-based): chr1:237,590,782, C>G. VCF-style: chr1-237590782-C-G. GRCh37 (hg19) VCF-style: chr1-237754082-C-G.
Other names: short protein forms T1317R.
Identifiers: ClinVar variation 1736436 (VCV001736436.3), dbSNP rs752107643, ClinGen allele CA345397426.